The following is an entry in ClinVar:

ClinVar aggregate classification (germline): Benign (1 of 4 stars; one submission).

Conditions:
Disorders of Intracellular Cobalamin Metabolism. Identifiers: MedGen CN043592.

Allele frequency attached by ClinVar (database versions not stated): 1000 Genomes Project 0.00759; 1000 Genomes Project 30x 0.00843; gnomAD 0.01548 and 0.01607; TOPMed 0.01682.

Submission:

Illumina Laboratory Services, Illumina
Classification: Benign for Disorders of Intracellular Cobalamin Metabolism. Last evaluated: 2018-01-12. Review status: criteria provided, single submitter. Criteria: ICSL Variant Classification Criteria 13 December 2019. Collection method: clinical testing. Allele origin: germline.
Comment: This variant was observed in the ICSL laboratory as part of a predisposition screen in an ostensibly healthy population. It had not been previously curated by ICSL or reported in the Human Gene Mutation Database (HGMD: prior to June 1st, 2018), and was therefore a candidate for classification through an automated scoring system. Utilizing variant allele frequency, disease prevalence and penetrance estimates, and inheritance mode, an automated score was calculated to assess if this variant is too frequent to cause the disease. Based on the score and internal cut-off values, a variant classified as benign is not then subjected to further curation. The score for this variant resulted in a classification of benign for this disease.

NM_000254.3(MTR):c.*4866T>G

Gene: MTR (5-methyltetrahydrofolate-homocysteine methyltransferase; plus strand). Cytogenetic location: 1q43.
Variant type: single nucleotide variant.
Coding change: c.*4866T>G on transcript NM_000254.3 (MANE Select); 4866 bases downstream of the stop codon, T replaced by G.
Molecular consequence: 3 prime UTR variant.
Genome position (GRCh38, 1-based): chr1:236,902,510, T>G. VCF-style: chr1-236902510-T-G. GRCh37 (hg19) VCF-style: chr1-237065810-T-G.
Other names: c.*4866T>G (NM_001291939.1, NM_001291940.2).
Identifiers: ClinVar variation 296677 (VCV000296677.5), dbSNP rs45563435, ClinGen allele CA10609728.
Genomic context (GRCh38, chr1:236,902,510, plus strand): 5'-ACTCATCTTTATATGGCGTCTAAAATAGTGCTTGCTTTATGATAGGTGCTCAGTAAAGGT[T>G]GTCTTGAATTGAGCAGATCCTCTAGGGACAGGAGTTGGATGGAGAGCAGACTGTAAAGCC-3'